The following is an entry in ClinVar:

NM_004982.4(KCNJ8):c.1205A>G (p.Asn402Ser)

Genes: KCNJ8 (potassium inwardly rectifying channel subfamily J member 8; minus strand), KCNJ8-AS1 (KCNJ8 antisense RNA 1; plus strand). Cytogenetic location: 12p12.1.
Variant type: single nucleotide variant.
Coding change: c.1205A>G on transcript NM_004982.4 (MANE Select); coding-DNA position 1205, A replaced by G.
Protein change: p.Asn402Ser; replaces asparagine 402 with serine.
Molecular consequence: missense variant.
Genome position (GRCh38, 1-based): chr12:21,765,793, T>C on the plus strand (A>G on the coding strand, the complement: KCNJ8 is on the minus strand). VCF-style: chr12-21765793-T-C. GRCh37 (hg19) VCF-style: chr12-21918727-T-C.
Other names: c.1205A>G (NM_004982.2); short protein forms N402S.
Identifiers: ClinVar variation 2722956 (VCV002722956.4), dbSNP rs1286367742, ClinGen allele CA384121193.

ClinVar aggregate classification (germline): Uncertain significance. Review status: criteria provided, multiple submitters, no conflicts (2 of 4 stars). 2 submissions from 2 submitters: Uncertain significance (2). Last evaluated 2024-12-14.

Conditions:
Cardiovascular phenotype. Identifiers: MedGen CN230736.
Brugada syndrome. Also called: Sudden unexpected nocturnal death syndrome; Sudden Unexplained Death Syndrome; Sudden Unexplained Nocturnal Death Syndrome (SUNDS); Sudden unexplained nocturnal death syndrome. Identifiers: Orphanet 130, MedGen C1142166, MONDO:0015263.

Allele frequency attached by ClinVar (database versions not stated): gnomAD exomes below 0.00001; gnomAD 0.00001; TOPMed 0.00001.
gnomAD v4.1: 2 of 1,614,030 alleles (0.00012%); highest among the groups gnomAD compares: Admixed American, 0.0017%; no homozygotes.

Submissions (2):

Ambry Genetics
Classification: Uncertain significance for Cardiovascular phenotype. Last evaluated: 2024-12-14. Review status: criteria provided, single submitter. Criteria: Ambry Variant Classification Scheme 2023. Collection method: clinical testing. Allele origin: germline.
Comment: The p.N402S variant (also known as c.1205A>G), located in coding exon 2 of the KCNJ8 gene, results from an A to G substitution at nucleotide position 1205. The asparagine at codon 402 is replaced by serine, an amino acid with highly similar properties. This amino acid position is conserved. In addition, this alteration is predicted to be tolerated by in silico analysis. Based on the available evidence, the clinical significance of this variant remains unclear.

Labcorp Genetics (formerly Invitae), Labcorp
Classification: Uncertain significance for Brugada syndrome. Last evaluated: 2023-01-02. Review status: criteria provided, single submitter. Criteria: Invitae Variant Classification Sherloc (09022015). Collection method: clinical testing. Allele origin: germline.
Comment: This variant is not present in population databases (gnomAD no frequency). This sequence change replaces asparagine, which is neutral and polar, with serine, which is neutral and polar, at codon 402 of the KCNJ8 protein (p.Asn402Ser). This variant has not been reported in the literature in individuals affected with KCNJ8-related conditions. In summary, the available evidence is currently insufficient to determine the role of this variant in disease. Therefore, it has been classified as a Variant of Uncertain Significance. Algorithms developed to predict the effect of missense changes on protein structure and function are either unavailable or do not agree on the potential impact of this missense change (SIFT: "Tolerated"; PolyPhen-2: "Probably Damaging"; Align-GVGD: "Class C0").